The following is an entry in ClinVar:

NM_003718.5(CDK13):c.3964G>A (p.Asp1322Asn)

Gene: CDK13 (cyclin dependent kinase 13; plus strand). Cytogenetic location: 7p14.1.
Variant type: single nucleotide variant.
Coding change: c.3964G>A on transcript NM_003718.5 (MANE Select); coding-DNA position 3964, G replaced by A.
Protein change: p.Asp1322Asn; replaces aspartic acid 1322 with asparagine.
Molecular consequence: missense variant.
Genome position (GRCh38, 1-based): chr7:40,094,405, G>A. VCF-style: chr7-40094405-G-A. GRCh37 (hg19) VCF-style: chr7-40134004-G-A.
Other names: c.3784G>A, p.Asp1262Asn (NM_031267.4); short protein forms D1262N, D1322N.
Identifiers: ClinVar variation 2868246 (VCV002868246.3), dbSNP rs760065165, ClinGen allele CA4229040.

ClinVar aggregate classification (germline): Uncertain significance (1 of 4 stars; one submission).

Allele frequency attached by ClinVar (database versions not stated): ExAC 0.00001; gnomAD 0.00001; gnomAD exomes 0.00001; TOPMed 0.00001.
gnomAD v4.1: 15 of 1,613,922 alleles (0.00093%); highest among the groups gnomAD compares: Admixed American, 0.0017%; no homozygotes.

Submission:

Labcorp Genetics (formerly Invitae), Labcorp
Classification: Uncertain significance. Last evaluated: 2023-06-20. Review status: criteria provided, single submitter. Criteria: Invitae Variant Classification Sherloc (09022015). Collection method: clinical testing. Allele origin: germline.
Comment: This sequence change replaces aspartic acid, which is acidic and polar, with asparagine, which is neutral and polar, at codon 1322 of the CDK13 protein (p.Asp1322Asn). This variant is present in population databases (rs760065165, gnomAD 0.003%). This variant has not been reported in the literature in individuals affected with CDK13-related conditions. Advanced modeling of protein sequence and biophysical properties (such as structural, functional, and spatial information, amino acid conservation, physicochemical variation, residue mobility, and thermodynamic stability) has been performed at Invitae for this missense variant, however the output from this modeling did not meet the statistical confidence thresholds required to predict the impact of this variant on CDK13 protein function. In summary, the available evidence is currently insufficient to determine the role of this variant in disease. Therefore, it has been classified as a Variant of Uncertain Significance.